The following is an entry in ClinVar:

NM_014476.6(PDLIM3):c.567G>A (p.Gln189=)

Gene: PDLIM3 (PDZ and LIM domain 3; minus strand). Cytogenetic location: 4q35.1.
Variant type: single nucleotide variant.
Coding change: c.567G>A on transcript NM_014476.6 (MANE Select); coding-DNA position 567, G replaced by A.
Protein change: p.Gln189=; no amino-acid change (glutamine 189 retained).
Molecular consequence: synonymous variant. On other transcripts: intron variant (3).
Genome position (GRCh38, 1-based): chr4:185,508,394, C>T on the plus strand (G>A on the coding strand, the complement: PDLIM3 is on the minus strand). VCF-style: chr4-185508394-C-T. GRCh37 (hg19) VCF-style: chr4-186429548-C-T.
Other names: c.162-1742G>A (NM_001257963.2); c.399-1742G>A (NM_001257962.2); c.519-1742G>A (NM_001114107.5).
Identifiers: ClinVar variation 227843 (VCV000227843.15), dbSNP rs776361335, ClinGen allele CA3159757.

ClinVar aggregate classification (germline): Likely benign. Review status: criteria provided, multiple submitters, no conflicts (2 of 4 stars). 4 submissions from 4 submitters: Likely benign (4). Last evaluated 2025-07-30.

Conditions:
Primary dilated cardiomyopathy (DCM). Also called: Dilated Cardiomyopathy. Identifiers: Orphanet 217604, MedGen C0007193, MeSH D002311, MONDO:0005021, HP:0001644. Inheritance: Various modes of inheritance.
Hypertrophic cardiomyopathy. Also called: HYPERTROPHIC MYOCARDIOPATHY. Identifiers: Orphanet 217569, MedGen C0007194, MeSH D002312, MONDO:0005045, HP:0001639.

Allele frequency attached by ClinVar (database versions not stated): ExAC 0.00001; gnomAD 0.00001; gnomAD exomes 0.00001.
gnomAD v4.1: 15 of 1,614,000 alleles (0.00093%); highest among the groups gnomAD compares: Middle Eastern, 0.049%; no homozygotes.

Submissions (4):

Labcorp Genetics (formerly Invitae), Labcorp
Classification: Likely benign for Hypertrophic cardiomyopathy; Primary dilated cardiomyopathy. Last evaluated: 2025-07-30. Review status: criteria provided, single submitter. Criteria: Invitae Variant Classification Sherloc (09022015). Collection method: clinical testing. Allele origin: germline.

Ambry Genetics
Classification: Likely benign. Last evaluated: 2020-07-31. Review status: criteria provided, single submitter. Criteria: Ambry Variant Classification Scheme 2023. Collection method: clinical testing. Allele origin: germline.

GeneDx
Classification: Likely benign. Last evaluated: 2016-12-16. Review status: criteria provided, single submitter. Criteria: GeneDx Variant Classification (06012015). Collection method: clinical testing. Allele origin: germline. Affected: yes.
Comment: This variant is considered likely benign or benign based on one or more of the following criteria: it is a conservative change, it occurs at a poorly conserved position in the protein, it is predicted to be benign by multiple in silico algorithms, and/or has population frequency not consistent with disease.

Laboratory for Molecular Medicine, Mass General Brigham Personalized Medicine
Classification: Likely benign. Last evaluated: 2015-07-23. Review status: criteria provided, single submitter. Criteria: LMM Criteria. Collection method: clinical testing. Allele origin: germline. Observed: 1 variant allele.
Comment: p.Gln189Gln in exon 5 of PDLIM3: This variant is not expected to have clinical s ignificance because it does not alter an amino acid residue and is not located w ithin the splice consensus sequence. It has been identified in 1/66736 European chromosomes by the Exome Aggregation Consortium (ExAC; dbSNP rs776361335).